The following is an entry in ClinVar:

NM_032444.4(SLX4):c.3122A>G (p.Gln1041Arg)

Gene: SLX4 (SLX4 structure-specific endonuclease subunit; minus strand). Cytogenetic location: 16p13.3.
Variant type: single nucleotide variant.
Coding change: c.3122A>G on transcript NM_032444.4 (MANE Select); coding-DNA position 3122, A replaced by G.
Protein change: p.Gln1041Arg; replaces glutamine 1041 with arginine.
Molecular consequence: missense variant.
Genome position (GRCh38, 1-based): chr16:3,590,516, T>C on the plus strand (A>G on the coding strand, the complement: SLX4 is on the minus strand). VCF-style: chr16-3590516-T-C. GRCh37 (hg19) VCF-style: chr16-3640517-T-C.
Other names: short protein forms Q1041R.
Identifiers: ClinVar variation 1337486 (VCV001337486.4), dbSNP rs1384033342, ClinGen allele CA394521917.

ClinVar aggregate classification (germline): Uncertain significance (1 of 4 stars; one submission).

gnomAD v4.1: 1 of 1,613,396 alleles (0.000062%); highest among the groups gnomAD compares: African/African-American, 0.0013%; no homozygotes.

Submission:

Genetic Services Laboratory, University of Chicago
Classification: Uncertain significance. Last evaluated: 2019-12-26. Review status: criteria provided, single submitter. Criteria: ACMG Guidelines, 2015. Collection method: clinical testing. Allele origin: germline. Affected: no.
Comment: DNA sequence analysis of the SLX4 gene demonstrated a sequence change, c.3122A>G, in exon 12 that results in an amino acid change, p.Gln1041Arg. This sequence change does not appear to have been previously described in patients with SLX4-related disorders. This sequence change is absent from the large population databases (ExAC and gnomAD). The p.Gln1041Arg change affects a poorly conserved amino acid residue located in a domain of the SLX4 protein that is not known to be functional. The p.Gln1041Arg substitution appears to be benign using several in-silico pathogenicity prediction tools (SIFT, PolyPhen2, Align GVGD, REVEL). Due to these contrasting evidences and the lack of functional studies, the clinical significance of the p.Gln1041Arg change remains unknown at this time.